The following is an entry in ClinVar:

ClinVar aggregate classification (germline): Likely pathogenic (1 of 4 stars; one submission).

Submission:

GeneDx
Classification: Likely pathogenic. Last evaluated: 2025-11-11. Review status: criteria provided, single submitter. Criteria: GeneDx Variant Classification Process June 2021. Collection method: clinical testing. Allele origin: germline.
Comment: Not observed at significant frequency in large population cohorts (gnomAD); In silico analysis supports that this missense variant has a deleterious effect on protein structure/function; Has not been previously published as pathogenic or benign to our knowledge

NM_001904.4(CTNNB1):c.1177A>G (p.Thr393Ala)

Genes: CTNNB1 (catenin beta 1; plus strand), LOC126806659 (BRD4-independent group 4 enhancer GRCh37_chr3:41274918-41276117; plus strand). Cytogenetic location: 3p22.1.
Variant type: single nucleotide variant.
Coding change: c.1177A>G on transcript NM_001904.4 (MANE Select); coding-DNA position 1177, A replaced by G.
Protein change: p.Thr393Ala; replaces threonine 393 with alanine.
Molecular consequence: missense variant.
Genome position (GRCh38, 1-based): chr3:41,233,436, A>G. VCF-style: chr3-41233436-A-G. GRCh37 (hg19) VCF-style: chr3-41274927-A-G.
Other names: c.1177A>G, p.Thr393Ala (NM_001098209.2, NM_001098210.2, NM_001438871.1 and 4 more transcripts); c.1156A>G, p.Thr386Ala (NM_001330729.2); short protein forms T386A, T393A.
Identifiers: ClinVar variation 4086454 (VCV004086454.2).
Genomic context (GRCh38, chr3:41,233,436, plus strand): 5'-CCAAGTCAACGTCTTGTTCAGAACTGTCTTTGGACTCTCAGGAATCTTTCAGATGCTGCA[A>G]CTAAACAGGTAAATTCTGAGTAAACTGGTGCCATGGGAATAGAGTCAAGATGAGTATGTG-3'
Protein context (NP_001895.1, residues 383-403): WTLRNLSDAA[Thr393Ala]KQEGMEGLLG